The following is an entry in ClinVar:

ClinVar aggregate classification (germline): Benign/Likely benign. Review status: criteria provided, multiple submitters, no conflicts (2 of 4 stars). 6 submissions from 5 submitters: Benign (3); Likely benign (3). Last evaluated 2026-02-02.

Conditions:
Weill-Marchesani syndrome. Also called: WM Syndrome; Mesodermal dysmorphodystrophy congenital. Identifiers: Orphanet 3449, MedGen C0265313, MONDO:0018096.
Glaucoma 3, primary congenital, D. Identifiers: Orphanet 98976, MedGen C2751316, MONDO:0013122, OMIM 613086.

Allele frequency attached by ClinVar (database versions not stated): ESP Exome Variant Server 0.00629; TOPMed 0.00639; 1000 Genomes Project 0.00899; 1000 Genomes Project 30x 0.00968.
gnomAD v4.1: 1,661 of 1,611,622 alleles (0.1%); highest among the groups gnomAD compares: African/African-American, 2%; 14 homozygotes.

Submissions (6):

Labcorp Genetics (formerly Invitae), Labcorp
Classification: Benign. Last evaluated: 2026-02-02. Review status: criteria provided, single submitter. Criteria: Invitae Variant Classification Sherloc (09022015). Collection method: clinical testing. Allele origin: germline.

GeneDx
Classification: Likely benign. Last evaluated: 2019-03-21. Review status: criteria provided, single submitter. Criteria: GeneDx Variant Classification Process June 2021. Collection method: clinical testing. Allele origin: germline. Affected: yes.

Illumina Laboratory Services, Illumina
Classification: Benign for Weill-Marchesani syndrome. Last evaluated: 2018-01-13. Review status: criteria provided, single submitter. Criteria: ICSL Variant Classification Criteria 13 December 2019. Collection method: clinical testing. Allele origin: germline.
Comment: This variant was observed in the ICSL laboratory as part of a predisposition screen in an ostensibly healthy population. It had not been previously curated by ICSL or reported in the Human Gene Mutation Database (HGMD: prior to June 1st, 2018), and was therefore a candidate for classification through an automated scoring system. Utilizing variant allele frequency, disease prevalence and penetrance estimates, and inheritance mode, an automated score was calculated to assess if this variant is too frequent to cause the disease. Based on the score and internal cut-off values, a variant classified as benign is not then subjected to further curation. The score for this variant resulted in a classification of benign for this disease.

Illumina Laboratory Services, Illumina
Classification: Likely benign for Glaucoma 3, primary congenital, D. Last evaluated: 2018-01-13. Review status: criteria provided, single submitter. Criteria: ICSL Variant Classification Criteria 13 December 2019. Collection method: clinical testing. Allele origin: germline.
Comment: This variant was observed in the ICSL laboratory as part of a predisposition screen in an ostensibly healthy population. It had not been previously curated by ICSL or reported in the Human Gene Mutation Database (HGMD: prior to June 1st, 2018), and was therefore a candidate for classification through an automated scoring system. Utilizing variant allele frequency, disease prevalence and penetrance estimates, and inheritance mode, an automated score was calculated to assess if this variant is too frequent to cause the disease. Based on the score and internal cut-off values, a variant classified as likely benign is not then subjected to further curation. The score for this variant resulted in a classification of likely benign for this disease.

Eurofins Ntd Llc (ga)
Classification: Benign. Last evaluated: 2015-11-06. Review status: criteria provided, single submitter. Criteria: EGL Classification Definitions 2015. Collection method: clinical testing. Allele origin: germline. Observed: 1 variant allele, 1 heterozygote.

Breakthrough Genomics
Classification: Likely benign. Review status: criteria provided, single submitter. Criteria: ACMG Guidelines, 2015. Collection method: not provided. Allele origin: germline. Inheritance: Autosomal recessive inheritance. Affected: yes.

NM_000428.3(LTBP2):c.110G>T (p.Arg37Met)

Gene: LTBP2 (latent transforming growth factor beta binding protein 2; minus strand). Cytogenetic location: 14q24.3.
Variant type: single nucleotide variant.
Coding change: c.110G>T on transcript NM_000428.3 (MANE Select); coding-DNA position 110, G replaced by T.
Protein change: p.Arg37Met; replaces arginine 37 with methionine.
Molecular consequence: missense variant.
Genome position (GRCh38, 1-based): chr14:74,611,835, C>A on the plus strand (G>T on the coding strand, the complement: LTBP2 is on the minus strand). VCF-style: chr14-74611835-C-A. GRCh37 (hg19) VCF-style: chr14-75078538-C-A.
Other names: short protein forms R37M.
Identifiers: ClinVar variation 284198 (VCV000284198.21), dbSNP rs934996, ClinGen allele CA7270263.